The following is an entry in ClinVar:

NM_000548.5(TSC2):c.648+1G>A

Gene: TSC2 (TSC complex subunit 2; plus strand). Cytogenetic location: 16p13.3.
Variant type: single nucleotide variant.
Coding change: c.648+1G>A on transcript NM_000548.5 (MANE Select); the canonical splice donor site of the intron after coding-DNA position 648, G replaced by A.
Molecular consequence: splice donor variant.
Genome position (GRCh38, 1-based): chr16:2,056,245, G>A. VCF-style: chr16-2056245-G-A. GRCh37 (hg19) VCF-style: chr16-2106246-G-A.
Other names: c.-784+1G>A (NM_001406693.1, NM_001406689.1, NM_001406690.1 and 3 more transcripts); c.738+1G>A (NM_001406667.1, NM_001406668.1); c.48+1G>A (NM_001406680.1, NM_001406683.1, NM_001406687.1 and 6 more transcripts); c.-960+1G>A (NM_001406698.1); c.648+1G>A (NM_001114382.3, NM_001406663.1, NM_001406664.1 and 8 more transcripts); c.-665+1G>A (NM_001406694.1, NM_001406695.1); c.-772+1G>A (NM_001406696.1); c.186+1G>A (NM_001406681.1); and 4 more.
Identifiers: ClinVar variation 49410 (VCV000049410.14), dbSNP rs45488893, ClinGen allele CA022731.

ClinVar aggregate classification (germline): Pathogenic. Review status: criteria provided, multiple submitters, no conflicts (2 of 4 stars). 5 submissions from 5 submitters: Pathogenic (4). 1 of the submissions does not count toward it. Last evaluated 2023-05-20.

Conditions:
Tuberous sclerosis 2 (TSC2). Identifiers: Orphanet 805, MedGen C1860707, MONDO:0013199, OMIM 613254.
Tuberous sclerosis syndrome (TSC). Also called: Tuberous Sclerosis Complex; Tuberous sclerosis. Identifiers: Orphanet 805, MedGen C0041341, MONDO:0001734.

Submissions (5):

Labcorp Genetics (formerly Invitae), Labcorp
Classification: Pathogenic for Tuberous sclerosis 2. Last evaluated: 2023-05-20. Review status: criteria provided, single submitter. Criteria: Invitae Variant Classification Sherloc (09022015). Collection method: clinical testing. Allele origin: germline.
Comment: For these reasons, this variant has been classified as Pathogenic. Algorithms developed to predict the effect of sequence changes on RNA splicing suggest that this variant may disrupt the consensus splice site. ClinVar contains an entry for this variant (Variation ID: 49410). Disruption of this splice site has been observed in individuals with tuberous sclerosis complex (PMID: 15595939, 29196670). This variant is not present in population databases (gnomAD no frequency). This sequence change affects a donor splice site in intron 7 of the TSC2 gene. It is expected to disrupt RNA splicing. Variants that disrupt the donor or acceptor splice site typically lead to a loss of protein function (PMID: 16199547), and loss-of-function variants in TSC2 are known to be pathogenic (PMID: 10205261, 17304050).

Genome-Nilou Lab
Classification: Pathogenic for Tuberous sclerosis 2. Last evaluated: 2021-11-07. Review status: criteria provided, single submitter. Criteria: ACMG Guidelines, 2015. Collection method: clinical testing. Allele origin: germline. Affected: no.

Athena Diagnostics
Classification: Pathogenic for Tuberous sclerosis 2. Last evaluated: 2013-12-04. Review status: criteria provided, single submitter. Criteria: Athena Diagnostics Criteria. Collection method: clinical testing. Allele origin: germline. Inheritance: Autosomal dominant inheritance.

Juno Genomics, Hangzhou Juno Genomics, Inc
Classification: Pathogenic for Tuberous sclerosis 2. Review status: criteria provided, single submitter. Criteria: ACMG Guidelines, 2015. Collection method: clinical testing. Allele origin: germline. Affected: yes.
Comment: Absent from controls (or at extremely low frequency if recessive) in Genome Aggregation Database, Exome Sequencing Project, 1000 Genomes Project, or Exome Aggregation Consortium.;Null variant in a gene where loss of function (LOF) is a known mechanism of disease.;The prevalence of the variant in affected individuals is significantly increased compared to the prevalence in controls.;Assumed de novo, but without confirmation of paternity and maternity.;Patient's phenotype or family history is highly specific for a disease with a single genetic etiology.

Tuberous sclerosis database (TSC2)
No classification provided. Condition: TSC. Review status: no classification provided. Criteria: Tuberous Sclerosis Database Assertion Criteria 2015. Collection method: curation. Allele origin: germline. Affected: yes. Not counted in ClinVar's aggregate classification.

Literature cited by the submitters: PubMed 15595939 (cited by Labcorp Genetics (formerly Invitae), Labcorp and Athena Diagnostics); PubMed 29196670 (cited by Labcorp Genetics (formerly Invitae), Labcorp); PubMed 16199547 (cited by Labcorp Genetics (formerly Invitae), Labcorp); PubMed 10205261 (cited by Labcorp Genetics (formerly Invitae), Labcorp); PubMed 17304050 (cited by Labcorp Genetics (formerly Invitae), Labcorp).